The following is an entry in ClinVar:

ClinVar aggregate classification (germline): Uncertain significance. Review status: criteria provided, multiple submitters, no conflicts (2 of 4 stars). 2 submissions from 2 submitters: Uncertain significance (2). Last evaluated 2025-01-31.

Conditions:
Postaxial polydactyly-anterior pituitary anomalies-facial dysmorphism syndrome. Also called: Culler-Jones syndrome. Identifiers: Orphanet 420584, MedGen C4014479, MONDO:0014369, OMIM 615849.
Holoprosencephaly 9 (HPE9). Also called: HOLOPROSENCEPHALY WITH MICROPHTHALMIA AND FIRST BRANCHIAL ARCH ANOMALIES; PITUITARY ANOMALIES WITH HOLOPROSENCEPHALY-LIKE FEATURES. Identifiers: Orphanet 2162, MedGen C1835819, MONDO:0012563, OMIM 610829.

Allele frequency attached by ClinVar (database versions not stated): TOPMed below 0.00001; gnomAD exomes 0.00001; ExAC 0.00002; ESP Exome Variant Server 0.00008.
gnomAD v4.1: 14 of 1,610,602 alleles (0.00087%); highest among the groups gnomAD compares: African/African-American, 0.0013%; no homozygotes.

Submissions (2):

Women's Health and Genetics/Laboratory Corporation of America, LabCorp
Classification: Uncertain significance. Last evaluated: 2025-01-31. Review status: criteria provided, single submitter. Criteria: LabCorp Variant Classification Summary - May 2015. Collection method: clinical testing. Allele origin: germline.
Comment: Variant summary: GLI2 c.3893G>A (p.Arg1298His) results in a non-conservative amino acid change in the encoded protein sequence. Four of five in-silico tools predict a benign effect of the variant on protein function. The variant allele was found at a frequency of 8.1e-06 in 246578 control chromosomes. The available data on variant occurrences in the general population are insufficient to allow any conclusion about variant significance. To our knowledge, no occurrence of c.3893G>A in individuals affected with GLI2-Related Disorders and no experimental evidence demonstrating its impact on protein function have been reported. ClinVar contains an entry for this variant (Variation ID: 662958). Based on the evidence outlined above, the variant was classified as uncertain significance.

Labcorp Genetics (formerly Invitae), Labcorp
Classification: Uncertain significance for Postaxial polydactyly-anterior pituitary anomalies-facial dysmorphism syndrome; Holoprosencephaly 9. Last evaluated: 2018-07-25. Review status: criteria provided, single submitter. Criteria: Invitae Variant Classification Sherloc (09022015). Collection method: clinical testing. Allele origin: germline.
Comment: This sequence change replaces arginine with histidine at codon 1298 of the GLI2 protein (p.Arg1298His). The arginine residue is weakly conserved and there is a small physicochemical difference between arginine and histidine. This variant is present in population databases (rs370407550, ExAC 0.003%). This variant has not been reported in the literature in individuals with GLI2-related disease. Algorithms developed to predict the effect of missense changes on protein structure and function output the following: SIFT: "Tolerated"; PolyPhen-2: "Benign"; Align-GVGD: "Class C0". The histidine amino acid residue is found in multiple mammalian species, suggesting that this missense change does not adversely affect protein function. These predictions have not been confirmed by published functional studies and their clinical significance is uncertain. In summary, the available evidence is currently insufficient to determine the role of this variant in disease. Therefore, it has been classified as a Variant of Uncertain Significance.

NM_001374353.1(GLI2):c.3842G>A (p.Arg1281His)

Gene: GLI2 (GLI family zinc finger 2; plus strand). Cytogenetic location: 2q14.2.
Variant type: single nucleotide variant.
Coding change: c.3842G>A on transcript NM_001374353.1 (MANE Select); coding-DNA position 3842, G replaced by A.
Protein change: p.Arg1281His; replaces arginine 1281 with histidine.
Molecular consequence: missense variant.
Genome position (GRCh38, 1-based): chr2:120,989,807, G>A. VCF-style: chr2-120989807-G-A. GRCh37 (hg19) VCF-style: chr2-121747383-G-A.
Other names: c.3893G>A, p.Arg1298His (NM_001371271.1, NM_005270.5); c.3467G>A, p.Arg1156His (NM_001374354.1); short protein forms R1298H, R1281H, R1156H.
Identifiers: ClinVar variation 662958 (VCV000662958.10), dbSNP rs370407550, ClinGen allele CA1852503.
Genomic context (GRCh38, chr2:120,989,807, plus strand): 5'-GGCATCTGGGGCACCCTCAGCAGACAGAAGTGGCACCTGACCCCACCACGATGGGCAATC[G>A]CCACAGGGAACTTGGGGTCCCCGATTCAGCCCTGGCTGGAGTGCCACCACCTCACCCAGT-3'
Protein context (NP_001361282.1, residues 1271-1291): VAPDPTTMGN[Arg1281His]HRELGVPDSA